The following is an entry in ClinVar:

NM_201384.3(PLEC):c.7274A>C (p.Gln2425Pro)

Gene: PLEC (plectin; minus strand). Cytogenetic location: 8q24.3.
Variant type: single nucleotide variant.
Coding change: c.7274A>C on transcript NM_201384.3 (MANE Select); coding-DNA position 7274, A replaced by C.
Protein change: p.Gln2425Pro; replaces glutamine 2425 with proline.
Molecular consequence: missense variant.
Genome position (GRCh38, 1-based): chr8:143,922,655, T>G on the plus strand (A>C on the coding strand, the complement: PLEC is on the minus strand). VCF-style: chr8-143922655-T-G. GRCh37 (hg19) VCF-style: chr8-144996823-T-G.
Other names: c.7355A>C, p.Gln2452Pro (NM_000445.5); c.7232A>C, p.Gln2411Pro (NM_201378.4); c.7208A>C, p.Gln2403Pro (NM_201379.3); c.7685A>C, p.Gln2562Pro (NM_201380.4); c.7178A>C, p.Gln2393Pro (NM_201381.3); c.7274A>C, p.Gln2425Pro (NM_201382.4); c.7286A>C, p.Gln2429Pro (NM_201383.3); c.7355A>C (NM_000445.4); short protein forms Q2393P, Q2403P, Q2411P, Q2425P, Q2429P, Q2452P, Q2562P.
Identifiers: ClinVar variation 2435064 (VCV002435064.8), dbSNP rs782662646, ClinGen allele CA372528339.
Genomic context (GRCh38, chr8:143,922,655, plus strand): 5'-GCATCATGGTCACTCTGCTGTCGCTGGATCTCCAGTGTCTGCACCAGGGTCACCTTCTCC[T>G]GGGTGGCGAGCTCCGTGCGGTGCAGCTTCTCACCGATCTCCTCCGCCTGCTTCCGGAAGC-3'
Protein context (NP_958786.1, residues 2415-2435): EKLHRTELAT[Gln2425Pro]EKVTLVQTLE

ClinVar aggregate classification (germline): Uncertain significance. Review status: criteria provided, multiple submitters, no conflicts (2 of 4 stars). 4 submissions from 4 submitters: Uncertain significance (4). Last evaluated 2026-05-20.

Conditions:
PLEC-related disorder. Also called: PLEC-related condition; PLEC-related disorders.
Epidermolysis bullosa simplex with nail dystrophy (EBS5D). Identifiers: MedGen C4225309, MONDO:0014661, OMIM 616487.
Epidermolysis bullosa simplex, Ogna type (EBS5A). Also called: Pidermolysis bullosa simplex 5A, Ogna type; EPIDERMOLYSIS BULLOSA SIMPLEX 5A, OGNA TYPE. Identifiers: Orphanet 79401, MedGen C0432317, MONDO:0007555, OMIM 131950.
Epidermolysis bullosa simplex 5C, with pyloric atresia (EBS5C). Also called: PLEC-Related Epidermolysis Bullosa with Pyloric Atresia; Epidermolysis bullosa simplex with pyloric atresia; PLEC1-Related Epidermolysis Bullosa with Pyloric Atresia. Identifiers: Orphanet 158684, MedGen C2677349, MONDO:0012807, OMIM 612138.
Autosomal recessive limb-girdle muscular dystrophy type 2Q (LGMDR17). Also called: MUSCULAR DYSTROPHY, LIMB-GIRDLE, AUTOSOMAL RECESSIVE 17. Identifiers: Orphanet 254361, MedGen C3150989, MONDO:0013390, OMIM 613723.
Epidermolysis bullosa simplex 5B, with muscular dystrophy (EBS5B). Also called: Epidermolysis bullosa simplex with muscular dystrophy; EPIDERMOLYSIS BULLOSA SIMPLEX AND LIMB-GIRDLE MUSCULAR DYSTROPHY. Identifiers: Orphanet 257, MedGen C2931072, MONDO:0009181, OMIM 226670.
Inborn genetic diseases. Identifiers: MedGen C0950123, MeSH D030342.

Allele frequency attached by ClinVar (database versions not stated): gnomAD 0.00001; TOPMed 0.00001.
gnomAD v4.1: 28 of 1,613,382 alleles (0.0017%); highest among the groups gnomAD compares: Non-Finnish European, 0.0024%; no homozygotes.

Submissions (4):

Ambry Genetics
Classification: Uncertain significance for Inborn genetic diseases. Last evaluated: 2026-05-20. Review status: criteria provided, single submitter. Criteria: Ambry Variant Classification Scheme 2023. Collection method: clinical testing. Allele origin: germline.

PreventionGenetics, part of Exact Sciences
Classification: Uncertain significance for PLEC-related condition. Last evaluated: 2026-03-04. Review status: criteria provided, single submitter. Criteria: ACMG Guidelines, 2015. Collection method: clinical testing. Allele origin: germline.
Comment: The PLEC c.7355A>C variant is predicted to result in the amino acid substitution p.Gln2452Pro. To our knowledge, this variant has not been reported in the literature or in a large population database (gnomAD), indicating this variant is rare. At this time, the clinical significance of this variant is uncertain due to the absence of conclusive functional and genetic evidence.

Labcorp Genetics (formerly Invitae), Labcorp
Classification: Uncertain significance for Autosomal recessive limb-girdle muscular dystrophy type 2Q; Epidermolysis bullosa simplex, Ogna type; Epidermolysis bullosa simplex with nail dystrophy; Epidermolysis bullosa simplex 5C, with pyloric atresia; Epidermolysis bullosa simplex 5B, with muscular dystrophy. Last evaluated: 2023-04-07. Review status: criteria provided, single submitter. Criteria: Invitae Variant Classification Sherloc (09022015). Collection method: clinical testing. Allele origin: germline.
Comment: In summary, the available evidence is currently insufficient to determine the role of this variant in disease. Therefore, it has been classified as a Variant of Uncertain Significance. An algorithm developed to predict the effect of missense changes on protein structure and function (PolyPhen-2) suggests that this variant is likely to be disruptive. This sequence change replaces glutamine, which is neutral and polar, with proline, which is neutral and non-polar, at codon 2452 of the PLEC protein (p.Gln2452Pro). This variant is not present in population databases (gnomAD no frequency). This variant has not been reported in the literature in individuals affected with PLEC-related conditions. ClinVar contains an entry for this variant (Variation ID: 2435064).

Revvity Omics, Revvity
Classification: Uncertain significance. Last evaluated: 2020-10-02. Review status: criteria provided, single submitter. Criteria: ACMG Guidelines, 2015. Collection method: clinical testing. Allele origin: germline.